The following is an entry in ClinVar:

ClinVar aggregate classification (germline): Pathogenic (1 of 4 stars; one submission).

Conditions:
Neurofibromatosis, type 1 (NF1). Also called: VON RECKLINGHAUSEN DISEASE; NEUROFIBROMATOSIS, TYPE I, SOMATIC; Peripheral type neurofibromatosis; Neurofibromatosis, type I. Identifiers: Orphanet 636, MedGen C0027831, MONDO:0018975, OMIM 162200. Disease mechanism: loss of function.

Submission:

Labcorp Genetics (formerly Invitae), Labcorp
Classification: Pathogenic for Neurofibromatosis, type 1. Last evaluated: 2023-03-23. Review status: criteria provided, single submitter. Criteria: Invitae Variant Classification Sherloc (09022015). Collection method: clinical testing. Allele origin: germline.
Comment: This sequence change replaces leucine, which is neutral and non-polar, with arginine, which is basic and polar, at codon 929 of the NF1 protein (p.Leu929Arg). This variant is not present in population databases (gnomAD no frequency). This missense change has been observed in individual(s) with neurofibromatosis type 1 (Invitae). ClinVar contains an entry for this variant (Variation ID: 527514). Advanced modeling of protein sequence and biophysical properties (such as structural, functional, and spatial information, amino acid conservation, physicochemical variation, residue mobility, and thermodynamic stability) performed at Invitae indicates that this missense variant is expected to disrupt NF1 protein function. This variant disrupts the p.Leu929 amino acid residue in NF1. Other variant(s) that disrupt this residue have been determined to be pathogenic (PMID: 22190595; Invitae). This suggests that this residue is clinically significant, and that variants that disrupt this residue are likely to be disease-causing. For these reasons, this variant has been classified as Pathogenic.

Literature cited by the submitters: PubMed 22190595.

NM_001042492.3(NF1):c.2786T>G (p.Leu929Arg)

Gene: NF1 (neurofibromin 1; plus strand). Cytogenetic location: 17q11.2.
Variant type: single nucleotide variant.
Coding change: c.2786T>G on transcript NM_001042492.3 (MANE Select); coding-DNA position 2786, T replaced by G.
Protein change: p.Leu929Arg; replaces leucine 929 with arginine.
Molecular consequence: missense variant.
Genome position (GRCh38, 1-based): chr17:31,229,401, T>G. VCF-style: chr17-31229401-T-G. GRCh37 (hg19) VCF-style: chr17-29556419-T-G.
Other names: c.2786T>G, p.Leu929Arg (NM_000267.4); short protein forms L929R.
Identifiers: ClinVar variation 527514 (VCV000527514.5), dbSNP rs1555614338, ClinGen allele CA398985610.